The following is an entry in ClinVar:

NM_144687.4(NLRP12):c.2776G>C (p.Gly926Arg)

Gene: NLRP12 (NLR family pyrin domain containing 12; minus strand). Cytogenetic location: 19q13.42.
Variant type: single nucleotide variant.
Coding change: c.2776G>C on transcript NM_144687.4 (MANE Select); coding-DNA position 2776, G replaced by C.
Protein change: p.Gly926Arg; replaces glycine 926 with arginine.
Molecular consequence: missense variant. On other transcripts: intron variant (1).
Genome position (GRCh38, 1-based): chr19:53,798,394, C>G on the plus strand (G>C on the coding strand, the complement: NLRP12 is on the minus strand). VCF-style: chr19-53798394-C-G. GRCh37 (hg19) VCF-style: chr19-54301648-C-G.
Other names: c.2779G>C, p.Gly927Arg (NM_001277126.2); c.2757-2365G>C (NM_001277129.1); short protein forms G927R, G926R.
Identifiers: ClinVar variation 3680724 (VCV003680724.2).

ClinVar aggregate classification (germline): Uncertain significance (1 of 4 stars; one submission).

Conditions:
Familial cold autoinflammatory syndrome 2 (FCAS2). Identifiers: Orphanet 247868, MedGen C2673198, MONDO:0012724, OMIM 611762.

gnomAD v4.1: 3 of 1,614,098 alleles (0.00019%); highest among the groups gnomAD compares: Non-Finnish European, 0.00025%; no homozygotes.

Submission:

Labcorp Genetics (formerly Invitae), Labcorp
Classification: Uncertain significance for Familial cold autoinflammatory syndrome 2. Last evaluated: 2024-12-12. Review status: criteria provided, single submitter. Criteria: Invitae Variant Classification Sherloc (09022015). Collection method: clinical testing. Allele origin: germline.
Comment: This sequence change replaces glycine, which is neutral and non-polar, with arginine, which is basic and polar, at codon 926 of the NLRP12 protein (p.Gly926Arg). This variant is present in population databases (rs767943408, gnomAD 0.002%). This variant has not been reported in the literature in individuals affected with NLRP12-related conditions. An algorithm developed to predict the effect of missense changes on protein structure and function (PolyPhen-2) suggests that this variant is likely to be tolerated. In summary, the available evidence is currently insufficient to determine the role of this variant in disease. Therefore, it has been classified as a Variant of Uncertain Significance.